The following is an entry in ClinVar:

NM_003119.4(SPG7):c.947A>G (p.Glu316Gly)

Gene: SPG7 (SPG7 matrix AAA peptidase subunit, paraplegin; plus strand). Cytogenetic location: 16q24.3.
Variant type: single nucleotide variant.
Coding change: c.947A>G on transcript NM_003119.4 (MANE Select); coding-DNA position 947, A replaced by G.
Protein change: p.Glu316Gly; replaces glutamic acid 316 with glycine.
Molecular consequence: missense variant.
Genome position (GRCh38, 1-based): chr16:89,530,768, A>G. VCF-style: chr16-89530768-A-G. GRCh37 (hg19) VCF-style: chr16-89597176-A-G.
Other names: c.947A>G, p.Glu316Gly (NM_001363850.1, NM_199367.3); short protein forms E316G.
Identifiers: ClinVar variation 2041346 (VCV002041346.4), dbSNP rs777707037, ClinGen allele CA8243854.

ClinVar aggregate classification (germline): Uncertain significance (1 of 4 stars; one submission).

Conditions:
Hereditary spastic paraplegia 7 (SPG7). Also called: SPG7-related neurologic disorder; Autosomal recessive spastic paraplegia type 7; Spastic paraplegia 7; Hereditary spastic paraplegia Paraplegin type; SPASTIC PARAPLEGIA 7, AUTOSOMAL RECESSIVE, WITH OR WITHOUT CEREBELLAR ATAXIA. Identifiers: Orphanet 99013, MedGen C1846564, MONDO:0011803, OMIM 607259.

Allele frequency attached by ClinVar (database versions not stated): gnomAD exomes 0.00001; ExAC 0.00002.
gnomAD v4.1: 8 of 1,614,220 alleles (0.0005%); highest among the groups gnomAD compares: East Asian, 0.016%; no homozygotes.

Submission:

Labcorp Genetics (formerly Invitae), Labcorp
Classification: Uncertain significance for Hereditary spastic paraplegia 7. Last evaluated: 2023-07-08. Review status: criteria provided, single submitter. Criteria: Invitae Variant Classification Sherloc (09022015). Collection method: clinical testing. Allele origin: germline.
Comment: In summary, the available evidence is currently insufficient to determine the role of this variant in disease. Therefore, it has been classified as a Variant of Uncertain Significance. Advanced modeling of protein sequence and biophysical properties (such as structural, functional, and spatial information, amino acid conservation, physicochemical variation, residue mobility, and thermodynamic stability) performed at Invitae indicates that this missense variant is not expected to disrupt SPG7 protein function. ClinVar contains an entry for this variant (Variation ID: 2041346). This variant has not been reported in the literature in individuals affected with SPG7-related conditions. This variant is present in population databases (rs777707037, gnomAD 0.03%). This sequence change replaces glutamic acid, which is acidic and polar, with glycine, which is neutral and non-polar, at codon 316 of the SPG7 protein (p.Glu316Gly).